The following is an entry in ClinVar:

ClinVar aggregate classification (germline): Uncertain significance (1 of 4 stars; one submission).

Conditions:
Developmental and epileptic encephalopathy, 25 (DEE25). Also called: Epileptic encephalopathy, early infantile, 25; Developmental and epileptic encephalopathy 25, with amelogenesis imperfecta; Epileptic encephalopathy, early infantile, 25, with amelogenesis imperfecta. Identifiers: Orphanet 442835, MedGen C4014621, MONDO:0014392, OMIM 615905.

Submission:

Labcorp Genetics (formerly Invitae), Labcorp
Classification: Uncertain significance for Developmental and epileptic encephalopathy, 25. Last evaluated: 2019-07-16. Review status: criteria provided, single submitter. Criteria: Invitae Variant Classification Sherloc (09022015). Collection method: clinical testing. Allele origin: germline.
Comment: In summary, the available evidence is currently insufficient to determine the role of this variant in disease. Therefore, it has been classified as a Variant of Uncertain Significance. Algorithms developed to predict the effect of missense changes on protein structure and function are either unavailable or do not agree on the potential impact of this missense change (SIFT: "Tolerated"; PolyPhen-2: "Probably Damaging"; Align-GVGD: "Class C0"). This variant has not been reported in the literature in individuals with SLC13A5-related conditions. This variant is not present in population databases (ExAC no frequency). This sequence change replaces proline with leucine at codon 121 of the SLC13A5 protein (p.Pro121Leu). The proline residue is highly conserved and there is a moderate physicochemical difference between proline and leucine.

NM_177550.5(SLC13A5):c.362C>T (p.Pro121Leu)

Gene: SLC13A5 (solute carrier family 13 member 5; minus strand). Cytogenetic location: 17p13.1.
Variant type: single nucleotide variant.
Coding change: c.362C>T on transcript NM_177550.5 (MANE Select); coding-DNA position 362, C replaced by T.
Protein change: p.Pro121Leu; replaces proline 121 with leucine.
Molecular consequence: missense variant.
Genome position (GRCh38, 1-based): chr17:6,706,648, G>A on the plus strand (C>T on the coding strand, the complement: SLC13A5 is on the minus strand). VCF-style: chr17-6706648-G-A. GRCh37 (hg19) VCF-style: chr17-6609967-G-A.
Other names: c.362C>T, p.Pro121Leu (NM_001143838.3, NM_001284509.2); c.233C>T, p.Pro78Leu (NM_001284510.2); short protein forms P121L, P78L.
Identifiers: ClinVar variation 957486 (VCV000957486.10), dbSNP rs1973871631, ClinGen allele CA397750594.